The following is an entry in ClinVar:

ClinVar aggregate classification (germline): Uncertain significance (1 of 4 stars; one submission).

Submission:

Labcorp Genetics (formerly Invitae), Labcorp
Classification: Uncertain significance. Last evaluated: 2024-04-11. Review status: criteria provided, single submitter. Criteria: Invitae Variant Classification Sherloc (09022015). Collection method: clinical testing. Allele origin: germline.
Comment: This sequence change creates a premature translational stop signal (p.Tyr182Leufs*9) in the GEN1 gene. It is expected to result in an absent or disrupted protein product. However, the current clinical and genetic evidence is not sufficient to establish whether loss-of-function variants in GEN1 cause disease. This variant is not present in population databases (gnomAD no frequency). This variant has not been reported in the literature in individuals affected with GEN1-related conditions. Experimental studies and prediction algorithms are not available or were not evaluated, and the functional significance of this variant is currently unknown. In summary, the available evidence is currently insufficient to determine the role of this variant in disease. Therefore, it has been classified as a Variant of Uncertain Significance.

NM_001130009.3(GEN1):c.544dup (p.Tyr182fs)

Gene: GEN1 (GEN1 structure-specific endonuclease; plus strand). Cytogenetic location: 2p24.2.
Variant type: Duplication.
Coding change: c.544dup on transcript NM_001130009.3 (MANE Select); coding-DNA position 544, one base duplicated (T; older notation c.544dupT).
Protein change: p.Tyr182fs; shifts the reading frame from tyrosine 182.
Molecular consequence: frameshift variant.
Genome position (GRCh38, 1-based): chr2:17,766,597, T duplicated; the last of 2 consecutive T bases (chr2:17,766,596-17,766,597); duplicating either gives the same sequence. VCF-style (leftmost placement, unchanged base first): chr2-17766595-G-GT. GRCh37 (hg19) VCF-style: chr2-17947862-G-GT.
Other names: c.544dup, p.Tyr182fs (NM_182625.5); short protein forms Y182fs.
Identifiers: ClinVar variation 3710070 (VCV003710070.2).